The following is an entry in ClinVar:

NM_019098.5(CNGB3):c.1080del (p.Leu360fs)

Gene: CNGB3 (cyclic nucleotide gated channel subunit beta 3; minus strand). Cytogenetic location: 8q21.3.
Variant type: Deletion.
Coding change: c.1080del on transcript NM_019098.5 (MANE Select); coding-DNA position 1080, one base deleted (G; older notation c.1080delG).
Protein change: p.Leu360fs; shifts the reading frame from leucine 360.
Molecular consequence: frameshift variant.
Genome position (GRCh38, 1-based): chr8:86,643,849, C deleted on the plus strand (G on the coding strand, the reverse complement: CNGB3 is on the minus strand). VCF-style (leftmost placement, unchanged base first): chr8-86643848-GC-G. GRCh37 (hg19) VCF-style: chr8-87656076-GC-G.
Other names: short protein forms L360fs.
Identifiers: ClinVar variation 5015489 (VCV005015489.1).

ClinVar aggregate classification (germline): Pathogenic (1 of 4 stars; one submission).

Conditions:
Achromatopsia 3 (ACHM3). Also called: ACHROMATOPSIA WITH MYOPIA; PINGELAPESE BLINDNESS; TOTAL COLORBLINDNESS WITH MYOPIA; ROD MONOCHROMACY 1; ROD MONOCHROMATISM 1. Identifiers: Orphanet 49382, MedGen C1849792, MONDO:0009875, OMIM 262300.

Submission:

Myriad Genetics, Inc.
Classification: Pathogenic for Achromatopsia 3. Last evaluated: 2026-01-26. Review status: criteria provided, single submitter. Criteria: Myriad Autosomal Dominant, Autosomal Recessive and X-Linked Classification Criteria (2023). Collection method: clinical testing. Allele origin: unknown.
Comment: NM_019098.4(CNGB3):c.1080delG(L360Ffs*36) is expected to be pathogenic in the context of achromatopsia, CNGB3-related. This variant is predicted to lead to an abnormal or absent protein product due to the creation of a premature termination codon in CNGB3, a gene where loss-of-function variants are known to be pathogenic. Please note: this variant was assessed in the context of healthy population screening.